The following is an entry in ClinVar:

NM_000051.4(ATM):c.3175G>T (p.Ala1059Ser)

Gene: ATM (ATM serine/threonine kinase; plus strand). Cytogenetic location: 11q22.3.
Variant type: single nucleotide variant.
Coding change: c.3175G>T on transcript NM_000051.4 (MANE Select); coding-DNA position 3175, G replaced by T.
Protein change: p.Ala1059Ser; replaces alanine 1059 with serine.
Molecular consequence: missense variant.
Genome position (GRCh38, 1-based): chr11:108,272,743, G>T. VCF-style: chr11-108272743-G-T. GRCh37 (hg19) VCF-style: chr11-108143470-G-T.
Other names: c.3175G>T, p.Ala1059Ser (NM_001351834.2); c.3175G>T (NM_000051.3); short protein forms A1059S.
Identifiers: ClinVar variation 1406540 (VCV001406540.8), dbSNP rs370282831, ClinGen allele CA6265219.
Genomic context (GRCh38, chr11:108,272,743, plus strand): 5'-TTCTCTATTTCATATTTAACCACAGTTCTTTTCCCGTAGGCTGATCCTTATTCAAAATGG[G>T]CCATTCTTAATGTAATGGGAAAAGACTTTCCTGTAAATGAAGTATTTACACAATTTCTTG-3'
Protein context (NP_000042.3, residues 1049-1069): LLEADPYSKW[Ala1059Ser]ILNVMGKDFP

ClinVar aggregate classification (germline): Uncertain significance. Review status: criteria provided, multiple submitters, no conflicts (2 of 4 stars). 2 submissions from 2 submitters: Uncertain significance (2). Last evaluated 2023-09-19.

Conditions:
Ataxia-telangiectasia syndrome (AT). Also called: Ataxia-telangiectasia, complementation group D; AT, COMPLEMENTATION GROUP C; Ataxia-telangiectasia; Ataxia telangiectasia (A-T); Ataxia-telangiectasia, complementation group E; Cerebello-oculocutaneous telangiectasia. Identifiers: Orphanet 100, MedGen C0004135, MONDO:0008840, OMIM 208900.

Allele frequency attached by ClinVar (database versions not stated): ExAC 0.00001.
gnomAD v4.1: 6 of 1,613,892 alleles (0.00037%); highest among the groups gnomAD compares: South Asian, 0.0055%; no homozygotes.

Submissions (2):

Labcorp Genetics (formerly Invitae), Labcorp
Classification: Uncertain significance for Ataxia-telangiectasia syndrome. Last evaluated: 2023-09-19. Review status: criteria provided, single submitter. Criteria: Invitae Variant Classification Sherloc (09022015). Collection method: clinical testing. Allele origin: germline.
Comment: In summary, the available evidence is currently insufficient to determine the role of this variant in disease. Therefore, it has been classified as a Variant of Uncertain Significance. Algorithms developed to predict the effect of missense changes on protein structure and function output the following: SIFT: "Not Available"; PolyPhen-2: "Benign"; Align-GVGD: "Not Available". The serine amino acid residue is found in multiple mammalian species, which suggests that this missense change does not adversely affect protein function. ClinVar contains an entry for this variant (Variation ID: 1406540). This variant has not been reported in the literature in individuals affected with ATM-related conditions. This variant is present in population databases (rs370282831, gnomAD 0.003%). This sequence change replaces alanine, which is neutral and non-polar, with serine, which is neutral and polar, at codon 1059 of the ATM protein (p.Ala1059Ser).

GeneDx
Classification: Uncertain significance. Last evaluated: 2023-05-01. Review status: criteria provided, single submitter. Criteria: GeneDx Variant Classification Process June 2021. Collection method: clinical testing. Allele origin: germline. Affected: yes.
Comment: Not observed at significant frequency in large population cohorts (gnomAD); In silico analysis supports that this missense variant does not alter protein structure/function; Has not been previously published as pathogenic or benign to our knowledge; This variant is associated with the following publications: (PMID: 19781682)